The following is an entry in ClinVar:

ClinVar aggregate classification (germline): Pathogenic (1 of 4 stars; one submission).

Submission:

Labcorp Genetics (formerly Invitae), Labcorp
Classification: Pathogenic. Last evaluated: 2023-04-27. Review status: criteria provided, single submitter. Criteria: Invitae Variant Classification Sherloc (09022015). Collection method: clinical testing. Allele origin: germline.
Comment: For these reasons, this variant has been classified as Pathogenic. This variant has not been reported in the literature in individuals affected with COL2A1-related conditions. This variant is not present in population databases (gnomAD no frequency). This sequence change creates a premature translational stop signal (p.Thr397Asnfs*235) in the COL2A1 gene. It is expected to result in an absent or disrupted protein product. Loss-of-function variants in COL2A1 are known to be pathogenic (PMID: 20179744).

Literature cited by the submitters: PubMed 20179744.

NM_001844.5(COL2A1):c.1182_1189dup (p.Thr397fs)

Gene: COL2A1 (collagen type II alpha 1 chain; minus strand). Cytogenetic location: 12q13.11.
Variant type: Duplication.
Coding change: c.1182_1189dup on transcript NM_001844.5 (MANE Select); coding-DNA positions 1182 to 1189, 8 bases duplicated (ACCTGGTA; older notation c.1182_1189dupACCTGGTA).
Protein change: p.Thr397fs; shifts the reading frame from threonine 397.
Molecular consequence: frameshift variant.
Genome position (GRCh38, 1-based): chr12:47,987,643-47,987,650, TACCAGGT duplicated on the plus strand (ACCTGGTA on the coding strand, the reverse complement: COL2A1 is on the minus strand); duplicating any 8 consecutive bases within chr12:47,987,643-47,987,651 gives the same sequence; the c. name uses the placement nearest the transcript's 3' end. VCF-style (leftmost placement, unchanged base first): chr12-47987642-G-GTACCAGGT. GRCh37 (hg19) VCF-style: chr12-48381425-G-GTACCAGGT.
Other names: c.975_982dup, p.Thr328fs (NM_033150.3); short protein forms T328fs, T397fs.
Identifiers: ClinVar variation 2839536 (VCV002839536.3), dbSNP rs2540153331, ClinGen allele CA2739271964.